The following is an entry in ClinVar:

ClinVar aggregate classification (germline): Uncertain significance (1 of 4 stars; one submission).

Conditions:
Long QT syndrome (LQTS). Identifiers: MedGen C0023976, MeSH D008133, MONDO:0002442. Disease mechanism: loss of function. Inheritance: Various modes of inheritance.

Allele frequency attached by ClinVar (database versions not stated): TOPMed below 0.00001; gnomAD 0.00001.
gnomAD v4.1: 3 of 1,613,960 alleles (0.00019%); highest among the groups gnomAD compares: Non-Finnish European, 0.00025%; no homozygotes.

Submission:

Labcorp Genetics (formerly Invitae), Labcorp
Classification: Uncertain significance for Long QT syndrome. Last evaluated: 2022-12-17. Review status: criteria provided, single submitter. Criteria: Invitae Variant Classification Sherloc (09022015). Collection method: clinical testing. Allele origin: germline.
Comment: In summary, the available evidence is currently insufficient to determine the role of this variant in disease. Therefore, it has been classified as a Variant of Uncertain Significance. Algorithms developed to predict the effect of missense changes on protein structure and function are either unavailable or do not agree on the potential impact of this missense change (SIFT: "Deleterious"; PolyPhen-2: "Benign"; Align-GVGD: "Class C0"). This variant has not been reported in the literature in individuals affected with ANK2-related conditions. This variant is not present in population databases (gnomAD no frequency). This sequence change replaces aspartic acid, which is acidic and polar, with tyrosine, which is neutral and polar, at codon 3365 of the ANK2 protein (p.Asp3365Tyr).

NM_001148.6(ANK2):c.10093G>T (p.Asp3365Tyr)

Gene: ANK2 (ankyrin 2; plus strand). Cytogenetic location: 4q26.
Variant type: single nucleotide variant.
Coding change: c.10093G>T on transcript NM_001148.6 (MANE Select); coding-DNA position 10093, G replaced by T.
Protein change: p.Asp3365Tyr; replaces aspartic acid 3365 with tyrosine.
Molecular consequence: missense variant. On other transcripts: intron variant (68).
Genome position (GRCh38, 1-based): chr4:113,358,711, G>T. VCF-style: chr4-113358711-G-T. GRCh37 (hg19) VCF-style: chr4-114279867-G-T.
Other names: c.9859G>T, p.Asp3287Tyr (NM_001386142.1); c.6493G>T, p.Asp2165Tyr (NM_001386166.1); c.10234G>T, p.Asp3412Tyr (NM_001386174.1); c.10210G>T, p.Asp3404Tyr (NM_001386175.1); c.4412-2112G>T (NM_001386186.2, NM_001386148.2); c.4214-2112G>T (NM_001354269.3); c.4292-2112G>T (NM_001386187.2); c.4253-2112G>T (NM_001386147.1); and 35 more; short protein forms D2165Y, D3404Y, D3365Y, D3287Y, D3412Y.
Identifiers: ClinVar variation 2955866 (VCV002955866.3), dbSNP rs1454274993, ClinGen allele CA357939665.